The following is an entry in ClinVar:

ClinVar aggregate classification (germline): Likely benign. Review status: criteria provided, multiple submitters, no conflicts (2 of 4 stars). 2 submissions from 2 submitters: Likely benign (2). Last evaluated 2026-07-23.

Conditions:
PAX6-related disorder. Also called: PAX6-related disorders; PAX6-related condition.

gnomAD v4.1: 13 of 1,562,192 alleles (0.00083%); highest among the groups gnomAD compares: Admixed American, 0.02%; no homozygotes.

Submissions (2):

PreventionGenetics, part of Exact Sciences
Classification: Likely benign for PAX6-related condition. Last evaluated: 2026-07-23. Review status: criteria provided, single submitter. Criteria: ACMG Guidelines, 2015. Collection method: clinical testing. Allele origin: germline.
Comment: This variant is classified as likely benign based on ACMG/AMP sequence variant interpretation guidelines (Richards et al. 2015 PMID: 25741868, with internal and published modifications).

Blueprint Genetics
Classification: Likely benign. Last evaluated: 2020-03-04. Review status: criteria provided, single submitter. Criteria: ACMG Guidelines, 2015. Collection method: clinical testing. Allele origin: germline.

NM_001368894.2(PAX6):c.1074+42A>G

Gene: PAX6 (paired box 6; minus strand). Cytogenetic location: 11p13.
Variant type: single nucleotide variant.
Coding change: c.1074+42A>G on transcript NM_001368894.2 (MANE Select); 42 bases into the intron after coding-DNA position 1074, A replaced by G.
Molecular consequence: intron variant. On other transcripts: synonymous variant (1).
Genome position (GRCh38, 1-based): chr11:31,793,396, T>C on the plus strand (A>G on the coding strand, the complement: PAX6 is on the minus strand). VCF-style: chr11-31793396-T-C. GRCh37 (hg19) VCF-style: chr11-31814944-T-C.
Other names: c.1074A>G, p.Arg358= (NM_001310159.1); c.1032+42A>G (NM_001127612.3, NM_001368890.2, NM_001368888.2 and 9 more transcripts); c.873+42A>G (NM_001368921.2, NM_001368923.2, NM_001368926.2 and 4 more transcripts); c.1074+42A>G (NM_001258462.3, NM_001310158.2, NM_001258463.2 and 6 more transcripts); c.1149+42A>G (NM_001368919.2, NM_001368918.2); c.1275+42A>G (NM_001368910.2); c.624+42A>G (NM_001368909.2, NM_001368904.2, NM_001368905.2 and 11 more transcripts); c.1077+42A>G (NM_001368911.2); and 3 more.
Identifiers: ClinVar variation 4911120 (VCV004911120.2).